The following is an entry in ClinVar:

ClinVar aggregate classification (germline): Pathogenic (1 of 4 stars; one submission).

Allele frequency attached by ClinVar (database versions not stated): gnomAD exomes below 0.00001.

Submission:

Labcorp Genetics (formerly Invitae), Labcorp
Classification: Pathogenic. Last evaluated: 2023-02-27. Review status: criteria provided, single submitter. Criteria: Invitae Variant Classification Sherloc (09022015). Collection method: clinical testing. Allele origin: germline.
Comment: For these reasons, this variant has been classified as Pathogenic. ClinVar contains an entry for this variant (Variation ID: 2034489). This variant has not been reported in the literature in individuals affected with SKIV2L-related conditions. This variant is not present in population databases (gnomAD no frequency). This sequence change creates a premature translational stop signal (p.Gln544Argfs*36) in the SKIV2L gene. It is expected to result in an absent or disrupted protein product. Loss-of-function variants in SKIV2L are known to be pathogenic (PMID: 22444670).

Literature cited by the submitters: PubMed 22444670.

NM_006929.5(SKIC2):c.1631_1632del (p.Gln544fs)

Gene: SKIC2 (SKI2 subunit of superkiller complex; plus strand). Cytogenetic location: 6p21.33.
Variant type: Deletion.
Coding change: c.1631_1632del on transcript NM_006929.5 (MANE Select); coding-DNA positions 1631 to 1632, 2 bases deleted (AG; older notation c.1631_1632delAG).
Protein change: p.Gln544fs; shifts the reading frame from glutamine 544.
Molecular consequence: frameshift variant.
Genome position (GRCh38, 1-based): chr6:31,963,717-31,963,718, AG deleted. VCF-style (leftmost placement, unchanged base first): chr6-31963716-CAG-C. GRCh37 (hg19) VCF-style: chr6-31931493-CAG-C.
Other names: short protein forms Q544fs.
Identifiers: ClinVar variation 2034489 (VCV002034489.4), dbSNP rs1772636607, ClinGen allele CA1619382014.